The following is an entry in ClinVar:

ClinVar aggregate classification (germline): Likely pathogenic. Review status: criteria provided, single submitter (1 of 4 stars). 3 submissions from 3 submitters: Likely pathogenic (1). 2 of the submissions do not count toward it. Last evaluated 2025-09-10.

Conditions:
Polycystic kidney disease, adult type (PKD1). Also called: Polycystic Kidney, Autosomal Dominant; Polycystic Kidney Disease 1, Autosomal Dominant; Polycystic kidney disease 1; Polycystic kidney disease 1, severe; POLYCYSTIC KIDNEY DISEASE, ADULT, TYPE I; POLYCYSTIC KIDNEY DISEASE 1 WITH OR WITHOUT POLYCYSTIC LIVER DISEASE. Identifiers: MedGen C3149841, MONDO:0008263, OMIM 173900.
PKD1-related disorder. Also called: PKD1-related condition.

Submissions (3):

Genomic Medicine Center of Excellence, King Faisal Specialist Hospital and Research Centre
Classification: Likely pathogenic for Polycystic kidney disease, adult type. Last evaluated: 2025-09-10. Review status: criteria provided, single submitter. Criteria: ACMG Guidelines, 2015. Collection method: clinical testing. Allele origin: germline.

PreventionGenetics, part of Exact Sciences
Classification: Uncertain significance for PKD1-related condition. Last evaluated: 2024-04-02. Review status: no assertion criteria provided. Collection method: clinical testing. Allele origin: germline. Not counted in ClinVar's aggregate classification.
Comment: The PKD1 c.11519A>C variant is predicted to result in the amino acid substitution p.His3840Pro. To our knowledge, this variant has not been reported in the literature or in a large population database, indicating this variant is rare. At this time, the clinical significance of this variant is uncertain due to the absence of conclusive functional and genetic evidence.

Centre for Molecular Medicine & Biobanking, University of Malta
Classification: Uncertain significance for Polycystic kidney disease, adult type. Last evaluated: 2024-01-31. Review status: no assertion criteria provided. Collection method: research. Allele origin: germline. Affected: yes. Not counted in ClinVar's aggregate classification.

NM_001009944.3(PKD1):c.11519A>C (p.His3840Pro)

Genes: PKD1 (polycystin 1, transient receptor potential channel interacting; minus strand), PKD1-AS1 (PKD1 antisense RNA 1; plus strand). Cytogenetic location: 16p13.3.
Variant type: single nucleotide variant.
Coding change: c.11519A>C on transcript NM_001009944.3 (MANE Select); coding-DNA position 11519, A replaced by C.
Protein change: p.His3840Pro; replaces histidine 3840 with proline.
Molecular consequence: missense variant.
Genome position (GRCh38, 1-based): chr16:2,091,799, T>G on the plus strand (A>C on the coding strand, the complement: PKD1 is on the minus strand). VCF-style: chr16-2091799-T-G. GRCh37 (hg19) VCF-style: chr16-2141800-T-G.
Other names: c.11516A>C, p.His3839Pro (NM_000296.4); short protein forms H3839P, H3840P.
Identifiers: ClinVar variation 2691262 (VCV002691262.3), dbSNP rs2544619758, ClinGen allele CA394332539.